The following is an entry in ClinVar:

ClinVar aggregate classification (germline): Likely benign. Review status: criteria provided, multiple submitters, no conflicts (2 of 4 stars). 3 submissions from 3 submitters: Likely benign (2). 1 of the submissions does not count toward it. Last evaluated 2023-11-18.

Conditions:
Wilson disease (WND). Also called: Wilson's disease. Identifiers: Orphanet 905, MedGen C0019202, MONDO:0010200, OMIM 277900. Disease mechanism: loss of function.

Allele frequency attached by ClinVar (database versions not stated): gnomAD exomes 0.00001; TOPMed 0.00001; ExAC 0.00002.
gnomAD v4.1: 3 of 1,612,968 alleles (0.00019%); highest among the groups gnomAD compares: Non-Finnish European, 0.00025%; no homozygotes.

Submissions (3):

Labcorp Genetics (formerly Invitae), Labcorp
Classification: Likely benign for Wilson disease. Last evaluated: 2023-11-18. Review status: criteria provided, single submitter. Criteria: Invitae Variant Classification Sherloc (09022015). Collection method: clinical testing. Allele origin: germline.

All of Us Research Program, National Institutes of Health
Classification: Likely benign for Wilson disease. Last evaluated: 2023-08-15. Review status: criteria provided, single submitter. Criteria: ACMG Guidelines, 2015. Collection method: clinical testing. Allele origin: germline. Inheritance: Autosomal recessive inheritance. Observed: 1 variant allele, 1 heterozygote.
Comment: This study involves interpretation of variants in research participants for the purpose of population health screening. Participant phenotype was not available at the time of variant classification. Additional details can be found in publication PMID: 35346344, PMCID: PMC8962531

Natera, Inc.
Classification: Likely benign for Wilson disease. Last evaluated: 2020-10-30. Review status: no assertion criteria provided. Collection method: clinical testing. Allele origin: germline. Not counted in ClinVar's aggregate classification.

NM_000053.4(ATP7B):c.2985C>T (p.Val995=)

Gene: ATP7B (ATPase copper transporting beta; minus strand). Cytogenetic location: 13q14.3.
Variant type: single nucleotide variant.
Coding change: c.2985C>T on transcript NM_000053.4 (MANE Select); coding-DNA position 2985, C replaced by T.
Protein change: p.Val995=; no amino-acid change (valine 995 retained).
Molecular consequence: synonymous variant.
Genome position (GRCh38, 1-based): chr13:51,946,359, G>A on the plus strand (C>T on the coding strand, the complement: ATP7B is on the minus strand). VCF-style: chr13-51946359-G-A. GRCh37 (hg19) VCF-style: chr13-52520495-G-A.
Other names: c.2364C>T, p.Val788= (NM_001005918.3); c.2652C>T, p.Val884= (NM_001243182.2); c.2751C>T, p.Val917= (NM_001330578.2); c.2733C>T, p.Val911= (NM_001330579.2).
Identifiers: ClinVar variation 792553 (VCV000792553.15), dbSNP rs758641148, ClinGen allele CA6988846.